The following is an entry in ClinVar:

ClinVar aggregate classification (germline): Benign (1 of 4 stars; one submission).

Conditions:
Peutz-Jeghers syndrome (PJS). Also called: POLYPOSIS, HAMARTOMATOUS INTESTINAL; POLYPS-AND-SPOTS SYNDROME; Peutz-Jeghers polyposis; Periorificial lentiginosis syndrome. Identifiers: Orphanet 2869, MedGen C0031269, MeSH D010580, MONDO:0008280, OMIM 175200.

Submission:

Myriad Genetics, Inc.
Classification: Benign for Peutz-Jeghers syndrome. Last evaluated: 2025-03-26. Review status: criteria provided, single submitter. Criteria: Myriad Autosomal Dominant, Autosomal Recessive and X-Linked Classification Criteria (2023). Collection method: clinical testing. Allele origin: unknown.
Comment: This variant is considered benign. This variant is a silent/synonymous amino acid change and it is not expected to impact splicing.

NM_000455.5(STK11):c.483T>A (p.Ile161=)

Gene: STK11 (serine/threonine kinase 11; plus strand). Cytogenetic location: 19p13.3.
Variant type: single nucleotide variant.
Coding change: c.483T>A on transcript NM_000455.5 (MANE Select); coding-DNA position 483, T replaced by A.
Protein change: p.Ile161=; no amino-acid change (isoleucine 161 retained).
Molecular consequence: synonymous variant. On other transcripts: non-coding transcript variant (1).
Genome position (GRCh38, 1-based): chr19:1,220,391, T>A. VCF-style: chr19-1220391-T-A. GRCh37 (hg19) VCF-style: chr19-1220390-T-A.
Other names: c.483T>A, p.Ile161= (NM_001407255.1).
Identifiers: ClinVar variation 3904260 (VCV003904260.1).